The following is an entry in ClinVar:

NM_021625.5(TRPV4):c.250G>A (p.Asp84Asn)

Gene: TRPV4 (transient receptor potential cation channel subfamily V member 4; minus strand). Cytogenetic location: 12q24.11.
Variant type: single nucleotide variant.
Coding change: c.250G>A on transcript NM_021625.5 (MANE Select); coding-DNA position 250, G replaced by A.
Protein change: p.Asp84Asn; replaces aspartic acid 84 with asparagine.
Molecular consequence: missense variant.
Genome position (GRCh38, 1-based): chr12:109,814,547, C>T on the plus strand (G>A on the coding strand, the complement: TRPV4 is on the minus strand). VCF-style: chr12-109814547-C-T. GRCh37 (hg19) VCF-style: chr12-110252352-C-T.
Other names: c.250G>A, p.Asp84Asn (NM_001177428.2, NM_001177433.2, NM_147204.3); c.148G>A, p.Asp50Asn (NM_001177431.2); short protein forms D84N, D50N.
Identifiers: ClinVar variation 1417240 (VCV001417240.6), dbSNP rs908406423, ClinGen allele CA243478828.

ClinVar aggregate classification (germline): Uncertain significance (1 of 4 stars; one submission).

Conditions:
Charcot-Marie-Tooth disease axonal type 2C (HMSN2C). Also called: Charcot-Marie-Tooth Disease Type 2, TRPV4-Related (CMT2C); CHARCOT-MARIE-TOOTH DISEASE, AXONAL, AUTOSOMAL DOMINANT, TYPE 2C; Charcot-Marie-Tooth Neuropathy Type 2C. Identifiers: Orphanet 99937, MedGen C1853710, MONDO:0011633, OMIM 606071.

Allele frequency attached by ClinVar (database versions not stated): gnomAD exomes below 0.00001; TOPMed 0.00002.
gnomAD v4.1: 1 of 1,614,124 alleles (0.000062%); highest among the groups gnomAD compares: Non-Finnish European, 0.000085%; no homozygotes.

Submission:

Labcorp Genetics (formerly Invitae), Labcorp
Classification: Uncertain significance for Charcot-Marie-Tooth disease axonal type 2C. Last evaluated: 2022-03-02. Review status: criteria provided, single submitter. Criteria: Invitae Variant Classification Sherloc (09022015). Collection method: clinical testing. Allele origin: germline.
Comment: This sequence change replaces aspartic acid, which is acidic and polar, with asparagine, which is neutral and polar, at codon 84 of the TRPV4 protein (p.Asp84Asn). This variant is not present in population databases (gnomAD no frequency). This variant has not been reported in the literature in individuals affected with TRPV4-related conditions. Algorithms developed to predict the effect of missense changes on protein structure and function are either unavailable or do not agree on the potential impact of this missense change (SIFT: "Tolerated"; PolyPhen-2: "Possibly Damaging"; Align-GVGD: "Class C0"). In summary, the available evidence is currently insufficient to determine the role of this variant in disease. Therefore, it has been classified as a Variant of Uncertain Significance.